The following is an entry in ClinVar:

NM_003227.4(TFR2):c.1516A>G (p.Ser506Gly)

Gene: TFR2 (transferrin receptor 2; minus strand). Cytogenetic location: 7q22.1.
Variant type: single nucleotide variant.
Coding change: c.1516A>G on transcript NM_003227.4 (MANE Select); coding-DNA position 1516, A replaced by G.
Protein change: p.Ser506Gly; replaces serine 506 with glycine.
Molecular consequence: missense variant.
Genome position (GRCh38, 1-based): chr7:100,628,094, T>C on the plus strand (A>G on the coding strand, the complement: TFR2 is on the minus strand). VCF-style: chr7-100628094-T-C. GRCh37 (hg19) VCF-style: chr7-100225717-T-C.
Other names: c.1003A>G, p.Ser335Gly (NM_001206855.3); short protein forms S506G, S335G.
Identifiers: ClinVar variation 4737115 (VCV004737115.1).

ClinVar aggregate classification (germline): Uncertain significance (1 of 4 stars; one submission).

Conditions:
Hereditary hemochromatosis (HFE). Identifiers: MedGen C0392514, MONDO:0006507. Disease mechanism: loss of function.

gnomAD v4.1: 15 of 1,614,072 alleles (0.00093%); highest among the groups gnomAD compares: East Asian, 0.033%; no homozygotes.

Submission:

Labcorp Genetics (formerly Invitae), Labcorp
Classification: Uncertain significance for Hereditary hemochromatosis. Last evaluated: 2025-07-20. Review status: criteria provided, single submitter. Criteria: Invitae Variant Classification Sherloc (09022015). Collection method: clinical testing. Allele origin: germline.
Comment: This sequence change replaces serine, which is neutral and polar, with glycine, which is neutral and non-polar, at codon 506 of the TFR2 protein (p.Ser506Gly). This variant is present in population databases (rs41295900, gnomAD 0.03%). This variant has not been reported in the literature in individuals affected with TFR2-related conditions. Invitae Evidence Modeling of protein sequence and biophysical properties (such as structural, functional, and spatial information, amino acid conservation, physicochemical variation, residue mobility, and thermodynamic stability) has been performed for this missense variant. However, the output from this modeling did not meet the statistical confidence thresholds required to predict the impact of this variant on TFR2 protein function. In summary, the available evidence is currently insufficient to determine the role of this variant in disease. Therefore, it has been classified as a Variant of Uncertain Significance.